The following is an entry in ClinVar:

NM_007194.4(CHEK2):c.854TCA[1] (p.Ile286del)

Gene: CHEK2 (checkpoint kinase 2; minus strand). Cytogenetic location: 22q12.1.
Variant type: Microsatellite.
Coding change: c.854TCA[1] on transcript NM_007194.4 (MANE Select); one copy of the 3-base unit TCA starting at c.854; the reference has two copies in a row; one copy, 3 bases deleted.
Protein change: p.Ile286del; deletes isoleucine 286.
Molecular consequence: inframe deletion. On other transcripts: inframe indel (4).
Genome position (GRCh38, 1-based): chr22:28,703,554-28,703,556, TGA deleted on the plus strand (TCA on the coding strand, the reverse complement: CHEK2 is on the minus strand); deleting any 3 consecutive bases within chr22:28,703,554-28,703,561 gives the same sequence; the position shown is the placement nearest the transcript's 3' end. VCF-style (leftmost placement, unchanged base first): chr22-28703553-TTGA-T. GRCh37 (hg19) VCF-style: chr22-29099541-TTGA-T.
Other names: c.189_191CAT[1], p.Ile65del (NM_001257387.3); c.981_983CAT[1], p.Ile329del (NM_001005735.3); c.651_653CAT[1], p.Ile219del (NM_001349956.3); c.852_854CAT[1], p.Ile286del (NM_145862.3); short protein forms I286del, I329del, I65del, I219del.
Identifiers: ClinVar variation 460861 (VCV000460861.9), dbSNP rs1555917015, ClinGen allele CA658656850.

ClinVar aggregate classification (germline): Uncertain significance (1 of 4 stars; one submission).

Conditions:
Familial cancer of breast. Also called: BREAST CANCER, FAMILIAL; Hereditary breast cancer; hereditary breast carcinoma. Identifiers: Orphanet 227535, MedGen C0346153, MONDO:0016419, OMIM 114480. Disease mechanism: loss of function.

Submission:

Labcorp Genetics (formerly Invitae), Labcorp
Classification: Uncertain significance for Familial cancer of breast. Last evaluated: 2017-05-16. Review status: criteria provided, single submitter. Criteria: Invitae Variant Classification Sherloc (09022015). Collection method: clinical testing. Allele origin: germline.
Comment: In summary, this is a novel in-frame deletion with uncertain impact on protein function. It has been classified as a Variant of Uncertain Significance. Experimental studies and prediction algorithms are not available for this variant, and the functional significance of the deleted amino acid is currently unknown. This variant is not present in population databases (ExAC no frequency) and has not been reported in the literature in individuals with a CHEK2-related disease. This sequence change deletes 3 nucleotides from exon 8 of the CHEK2 mRNA (c.857_859delTCA). This leads to the deletion of 1 amino acid residue in the CHEK2 protein (p.Ile286del) but otherwise preserves the integrity of the reading frame.